The following is an entry in ClinVar:

ClinVar aggregate classification (germline): Uncertain significance (1 of 4 stars; one submission).

Conditions:
Early-infantile DEE. Also called: Early infantile epileptic encephalopathy; Ohtahara syndrome; Early infantile epileptic encephalopathy with suppression bursts. Identifiers: Orphanet 1934, MedGen C0393706, MONDO:0800491.

Submission:

Labcorp Genetics (formerly Invitae), Labcorp
Classification: Uncertain significance for Early-infantile DEE. Last evaluated: 2022-07-21. Review status: criteria provided, single submitter. Criteria: Invitae Variant Classification Sherloc (09022015). Collection method: clinical testing. Allele origin: germline.
Comment: In summary, the available evidence is currently insufficient to determine the role of this variant in disease. Therefore, it has been classified as a Variant of Uncertain Significance. Variants that disrupt the consensus splice site are a relatively common cause of aberrant splicing (PMID: 17576681, 9536098). Algorithms developed to predict the effect of sequence changes on RNA splicing suggest that this variant is not likely to affect RNA splicing. This variant has not been reported in the literature in individuals affected with SCN8A-related conditions. This variant is not present in population databases (gnomAD no frequency). This sequence change falls in intron 18 of the SCN8A gene. It does not directly change the encoded amino acid sequence of the SCN8A protein. It affects a nucleotide within the consensus splice site.

Literature cited by the submitters: PubMed 17576681; PubMed 9536098.

NM_001330260.2(SCN8A):c.3490+4_3490+8del

Gene: SCN8A (sodium voltage-gated channel alpha subunit 8; plus strand). Cytogenetic location: 12q13.13.
Variant type: Deletion.
Coding change: c.3490+4_3490+8del on transcript NM_001330260.2 (MANE Select); bases 4 to 8 of the intron after coding-DNA position 3490, 5 bases deleted (AAAGG; older notation c.3490+4_3490+8delAAAGG).
Molecular consequence: intron variant.
Genome position (GRCh38, 1-based): chr12:51,769,989-51,769,993, AAAGG deleted; deleting any 5 consecutive bases within chr12:51,769,988-51,769,993 gives the same sequence; the c. name uses the placement nearest the transcript's 3' end. VCF-style (leftmost placement, unchanged base first): chr12-51769987-TGAAAG-T. GRCh37 (hg19) VCF-style: chr12-52163771-TGAAAG-T.
Other names: c.3490+4_3490+8del (NM_014191.4, NM_001177984.3, NM_001369788.1).
Identifiers: ClinVar variation 2140836 (VCV002140836.4), dbSNP rs2540269400, ClinGen allele CA2575160243.